The following is an entry in ClinVar:

ClinVar aggregate classification (germline): Likely pathogenic (1 of 4 stars; one submission).

Submission:

Ambry Genetics
Classification: Likely pathogenic. Last evaluated: 2023-12-18. Review status: criteria provided, single submitter. Criteria: Ambry Variant Classification Scheme 2023. Collection method: clinical testing. Allele origin: germline.
Comment: The c.165+1G>A intronic alteration consists of a G to A substitution one nucleotide after exon 2 (coding exon 1) of the EIF5A gene. Alterations that disrupt the canonical splice site are expected to cause aberrant splicing, resulting in either loss of translation initiation, N-terminal truncation, or cause a shift in the mRNA reading frame. This variant was not reported in population-based cohorts in the Genome Aggregation Database (gnomAD). This nucleotide position is highly conserved in available vertebrate species. In silico splice site analysis predicts that this alteration will weaken the native splice donor site and will result in the creation or strengthening of a novel splice donor site. Based on the available evidence, this alteration is classified as likely pathogenic.

NM_001970.5(EIF5A):c.165+1G>A

Gene: EIF5A (eukaryotic translation initiation factor 5A; plus strand). Cytogenetic location: 17p13.1.
Variant type: single nucleotide variant.
Coding change: c.165+1G>A on transcript NM_001970.5 (MANE Select); the canonical splice donor site of the intron after coding-DNA position 165, G replaced by A.
Molecular consequence: splice donor variant.
Genome position (GRCh38, 1-based): chr17:7,309,801, G>A. VCF-style: chr17-7309801-G-A. GRCh37 (hg19) VCF-style: chr17-7213120-G-A.
Other names: c.255+1G>A (NM_001143760.1); c.165+1G>A (NM_001370420.1, NM_001143761.1, NM_001370421.1 and 1 more transcripts).
Identifiers: ClinVar variation 3088079 (VCV003088079.1), dbSNP rs2508657357, ClinGen allele CA397774992.